The following is an entry in ClinVar:

NM_178857.6(RP1L1):c.751+5G>C

Gene: RP1L1 (RP1 like 1). Cytogenetic location: 8p23.1.
Variant type: single nucleotide variant.
Coding change: c.751+5G>C on transcript NM_178857.6 (MANE Select); 5 bases into the intron after coding-DNA position 751, G replaced by C.
Molecular consequence: intron variant.
Genome position (GRCh38, 1-based): chr8:10,616,441, C>G on the plus strand (G>C on the coding strand, the complement: RP1L1 is on the minus strand). VCF-style: chr8-10616441-C-G. GRCh37 (hg19) VCF-style: chr8-10473951-C-G.
Identifiers: ClinVar variation 547032 (VCV000547032.47), dbSNP rs781255037, ClinGen allele CA171948921.
Genomic context (GRCh38, chr8:10,616,441, plus strand): 5'-CACTCAGCCCTACTGAACCACCATGCAGTGCAAATCAGATGGGGGAAACCCAAAAACCAA[C>G]TCACCGTTTTTGTTTCTTGAAGTCAGCCCAGATAAAGTTTCAGCCTCGCTTCTCCTGGCA-3'

ClinVar aggregate classification (germline): Uncertain significance. Review status: criteria provided, multiple submitters, no conflicts (2 of 4 stars). 3 submissions from 3 submitters: Uncertain significance (3). Last evaluated 2025-12-15.

Conditions:
Occult macular dystrophy (OCMD). Also called: OMD; OCCULT MACULAR DYSTROPHY, SUSCEPTIBILITY TO. Identifiers: Orphanet 247834, MedGen C3150833, MONDO:0013316, OMIM 613587, HP:0030636.
Retinitis pigmentosa 88. Identifiers: MedGen C5394208, MONDO:0032940, OMIM 618826.

Allele frequency attached by ClinVar (database versions not stated): gnomAD 0.00002; gnomAD exomes 0.00002; TOPMed 0.00002.
gnomAD v4.1: 31 of 1,614,126 alleles (0.0019%); highest among the groups gnomAD compares: African/African-American, 0.0027%; no homozygotes.

Submissions (3):

Labcorp Genetics (formerly Invitae), Labcorp
Classification: Uncertain significance. Last evaluated: 2025-12-15. Review status: criteria provided, single submitter. Criteria: Invitae Variant Classification Sherloc (09022015). Collection method: clinical testing. Allele origin: germline.
Comment: This sequence change falls in intron 3 of the RP1L1 gene. It does not directly change the encoded amino acid sequence of the RP1L1 protein. It affects a nucleotide within the consensus splice site. This variant is not present in population databases (gnomAD no frequency). This variant has not been reported in the literature in individuals affected with RP1L1-related conditions. ClinVar contains an entry for this variant (Variation ID: 547032). Variants that disrupt the consensus splice site are a relatively common cause of aberrant splicing (PMID: 17576681, 9536098). Algorithms developed to predict the effect of sequence changes on RNA splicing suggest that this variant may disrupt the consensus splice site. In summary, the available evidence is currently insufficient to determine the role of this variant in disease. Therefore, it has been classified as a Variant of Uncertain Significance.

Department of Pathology and Laboratory Medicine, Sinai Health System
Classification: Uncertain significance for Occult macular dystrophy; Retinitis pigmentosa 88. Last evaluated: 2022-12-05. Review status: criteria provided, single submitter. Criteria: ACMG Guidelines, 2015. Collection method: research. Allele origin: germline.

CeGaT Center for Human Genetics Tuebingen
Classification: Uncertain significance. Last evaluated: 2017-11-01. Review status: criteria provided, single submitter. Criteria: CeGaT Center For Human Genetics Tuebingen Variant Classification Criteria Version 2. Collection method: clinical testing. Allele origin: germline. Affected: yes. Observed: 1 variant allele.

Literature cited by the submitters: PubMed 17576681 (cited by Labcorp Genetics (formerly Invitae), Labcorp); PubMed 9536098 (cited by Labcorp Genetics (formerly Invitae), Labcorp).